The following is an entry in ClinVar:

NM_000352.6(ABCC8):c.3573G>A (p.Leu1191=)

Gene: ABCC8 (ATP binding cassette subfamily C member 8; minus strand). Cytogenetic location: 11p15.1.
Variant type: single nucleotide variant.
Coding change: c.3573G>A on transcript NM_000352.6 (MANE Select); coding-DNA position 3573, G replaced by A.
Protein change: p.Leu1191=; no amino-acid change (leucine 1191 retained).
Molecular consequence: synonymous variant. On other transcripts: non-coding transcript variant (1).
Genome position (GRCh38, 1-based): chr11:17,402,738, C>T on the plus strand (G>A on the coding strand, the complement: ABCC8 is on the minus strand). VCF-style: chr11-17402738-C-T. GRCh37 (hg19) VCF-style: chr11-17424285-C-T.
Other names: c.3576G>A, p.Leu1192= (NM_001287174.3); c.3639G>A, p.Leu1213= (NM_001351295.2); c.3573G>A, p.Leu1191= (NM_001351296.2); c.3570G>A, p.Leu1190= (NM_001351297.2).
Identifiers: ClinVar variation 744707 (VCV000744707.10), dbSNP rs1038735802, ClinGen allele CA218415565.

ClinVar aggregate classification (germline): Conflicting classifications of pathogenicity. Review status: criteria provided, conflicting classifications (1 of 4 stars). 3 submissions from 2 submitters: Uncertain significance (2); Likely benign (1). Last evaluated 2024-02-14.

Conditions:
Transitory neonatal diabetes mellitus. Also called: Transient neonatal diabetes mellitus. Identifiers: MedGen C0342273, MONDO:0020525, HP:0008255.
Maturity-onset diabetes of the young (MODY). Also called: Maturity onset diabetes mellitus in young. Identifiers: Orphanet 552, MedGen C0342276, MONDO:0018911, HP:0004904.

Allele frequency attached by ClinVar (database versions not stated): gnomAD exomes below 0.00001; TOPMed 0.00001.
gnomAD v4.1: 5 of 1,614,220 alleles (0.00031%); highest among the groups gnomAD compares: African/African-American, 0.0027%; no homozygotes.

Submissions (3):

Labcorp Genetics (formerly Invitae), Labcorp
Classification: Likely benign. Last evaluated: 2024-02-14. Review status: criteria provided, single submitter. Criteria: Invitae Variant Classification Sherloc (09022015). Collection method: clinical testing. Allele origin: germline.

Clinical Genomics, Uppaluri K&H Personalized Medicine Clinic
Classification: Uncertain significance for Maturity-onset diabetes of the young. Review status: criteria provided, single submitter. Criteria: K & H Uppaluri Personalized Medicine Clinic Variant Classification & Assertion Criteria_Updated V.1. Collection method: research. Allele origin: somatic. Inheritance: Somatic mutation.
Comment: Mutations in ABCC8 gene are associated with both neonatal diabetes mellitus as well as MODY. Patients with this mutation may have a better response to sulfonylureas. However, no sufficient evidence is found to ascertain the role of this particular variant (rs1038735802) in MODY yet.

Clinical Genomics, Uppaluri K&H Personalized Medicine Clinic
Classification: Uncertain significance for Transitory neonatal diabetes mellitus. Review status: criteria provided, single submitter. Criteria: K & H Uppaluri Personalized Medicine Clinic Variant Classification & Assertion Criteria_Updated V.1. Collection method: research. Allele origin: somatic. Inheritance: Somatic mutation.
Comment: Mutations in ABCC8 gene are associated with both neonatal diabetes mellitus as well as MODY. Patients with this mutation may have a better response to sulfonylureas. However, no sufficient evidence is found to ascertain the role of this particular variant (rs1038735802) in neonatal diabetes yet.

Literature cited by the submitters: PubMed 16885549 (cited by Clinical Genomics, Uppaluri K&H Personalized Medicine Clinic); PubMed 21989597 (cited by Clinical Genomics, Uppaluri K&H Personalized Medicine Clinic); PubMed 27538677 (cited by Clinical Genomics, Uppaluri K&H Personalized Medicine Clinic); PubMed 18981553 (cited by Clinical Genomics, Uppaluri K&H Personalized Medicine Clinic); PubMed 32027066 (cited by Clinical Genomics, Uppaluri K&H Personalized Medicine Clinic); PubMed 16613899 (cited by Clinical Genomics, Uppaluri K&H Personalized Medicine Clinic); PubMed 18025408 (cited by Clinical Genomics, Uppaluri K&H Personalized Medicine Clinic); PubMed 32792356 (cited by Clinical Genomics, Uppaluri K&H Personalized Medicine Clinic).